The following is an entry in ClinVar:

ClinVar aggregate classification (germline): Pathogenic/Likely pathogenic. Review status: criteria provided, multiple submitters, no conflicts (2 of 4 stars). 2 submissions from 2 submitters: Pathogenic (1); Likely pathogenic (1). Last evaluated 2025-04-09.

Conditions:
Fanconi anemia (FA). Also called: Fanconi's anemia. Identifiers: Orphanet 84, MedGen C0015625, MeSH D005199, MONDO:0019391.
Fanconi anemia complementation group L (FANCL). Also called: FANCL-Related Fanconi Anemia. Identifiers: Orphanet 84, MedGen C3469528, MONDO:0013566, OMIM 614083.

Allele frequency attached by ClinVar (database versions not stated): gnomAD 0.00001.
gnomAD v4.1: 8 of 1,611,364 alleles (0.0005%); highest among the groups gnomAD compares: Admixed American, 0.0033%; no homozygotes.

Submissions (2):

Labcorp Genetics (formerly Invitae), Labcorp
Classification: Pathogenic for Fanconi anemia. Last evaluated: 2025-04-09. Review status: criteria provided, single submitter. Criteria: Invitae Variant Classification Sherloc (09022015). Collection method: clinical testing. Allele origin: germline.
Comment: This sequence change creates a premature translational stop signal (p.Tyr311*) in the FANCL gene. It is expected to result in an absent or disrupted protein product. Loss-of-function variants in FANCL are known to be pathogenic (PMID: 19405097, 23613520). This variant is present in population databases (no rsID available, gnomAD 0.003%). This variant has not been reported in the literature in individuals affected with FANCL-related conditions. ClinVar contains an entry for this variant (Variation ID: 2716231). Algorithms developed to predict the effect of sequence changes on RNA splicing suggest that this variant may disrupt the consensus splice site. For these reasons, this variant has been classified as Pathogenic.

Baylor Genetics
Classification: Likely pathogenic for Fanconi anemia complementation group L. Last evaluated: 2024-03-13. Review status: criteria provided, single submitter. Criteria: ACMG Guidelines, 2015. Collection method: clinical testing. Allele origin: unknown.

Literature cited by the submitters: PubMed 19405097 (cited by Labcorp Genetics (formerly Invitae), Labcorp); PubMed 23613520 (cited by Labcorp Genetics (formerly Invitae), Labcorp).

NM_018062.4(FANCL):c.933T>G (p.Tyr311Ter)

Gene: FANCL (FA complementation group L; minus strand). Cytogenetic location: 2p16.1.
Variant type: single nucleotide variant.
Coding change: c.933T>G on transcript NM_018062.4 (MANE Select); coding-DNA position 933, T replaced by G.
Protein change: p.Tyr311Ter; replaces tyrosine 311 with a stop codon.
Molecular consequence: nonsense.
Genome position (GRCh38, 1-based): chr2:58,161,609, A>C on the plus strand (T>G on the coding strand, the complement: FANCL is on the minus strand). VCF-style: chr2-58161609-A-C. GRCh37 (hg19) VCF-style: chr2-58388744-A-C.
Other names: c.948T>G, p.Tyr316Ter (NM_001114636.2); c.978T>G, p.Tyr326Ter (NM_001374615.1); c.993T>G, p.Tyr331Ter (NM_001410792.1); short protein forms Y331*, Y311*, Y316*, Y326*.
Identifiers: ClinVar variation 2716231 (VCV002716231.4), dbSNP rs1423411761, ClinGen allele CA346933185.